The following is an entry in ClinVar:

ClinVar aggregate classification (germline): Pathogenic. Review status: criteria provided, multiple submitters, no conflicts (2 of 4 stars). 3 submissions from 3 submitters: Pathogenic (2). 1 of the submissions does not count toward it. Last evaluated 2025-07-09.

Conditions:
Developmental and epileptic encephalopathy, 38 (DEE38). Also called: Epileptic encephalopathy, early infantile, 38. Identifiers: MedGen C4310762, MONDO:0014868, OMIM 617020.
ARV1-related disorder. Also called: ARV1-related condition. Identifiers: MedGen CN235539.

Allele frequency attached by ClinVar (database versions not stated): gnomAD exomes 0.00001; TOPMed 0.00001; ExAC 0.00002; ESP Exome Variant Server 0.00008.
gnomAD v4.1: 9 of 1,526,642 alleles (0.00059%); highest among the groups gnomAD compares: Middle Eastern, 0.017%; no homozygotes.

Submissions (3):

Victorian Clinical Genetics Services, Murdoch Childrens Research Institute
Classification: Pathogenic for Developmental and epileptic encephalopathy, 38. Last evaluated: 2025-07-09. Review status: criteria provided, single submitter. Criteria: ACMG Guidelines, 2015. Collection method: clinical testing. Allele origin: germline. Affected: yes.
Comment: This variant is classified as Pathogenic. Evidence in support of pathogenic classification: Splice site variant proven to affect splicing of the transcript with a known effect on protein sequence. RNA analysis showed that this splice site variant results in exon 2 skipping, leading to an in-frame deletion of 40 amino acids, p.(Lys59_Asn98del) (PMIDs: 27270415, 32165008); Variant is present in gnomAD <0.01 for a recessive condition (v4: 9 heterozygote(s), 0 homozygote(s)); This variant has strong previous evidence of pathogenicity in unrelated individuals. This variant has been classified as pathogenic by a clinical laboratory in ClinVar, and has been reported in a homozygous or compound heterozygous state in multiple affected individuals in the literature (PMIDs: 27270415, 32165008, 37804371, 33084218, Alam, C. et al. 2021); This variant has moderate evidence for segregation with disease. This variant has been shown to segregate with disease in a family with multiple loops of consanguinity (PMID: 32165008). Additional information: This variant is homozygous; This gene is associated with autosomal recessive disease; Alternative nucleotide change(s) at the same canonical splice site, are present in gnomAD (highest allele count: v4: 1 heterozygote(s), 0 homozygote(s); Loss of function is a known mechanism of disease in this gene and is associated with developmental and epileptic encephalopathy 38 (MIM# 617020).

Department of Women and Children's Health, University of New South Wales
Classification: Pathogenic for ARV1-related condition. Last evaluated: 2015-02-13. Review status: criteria provided, single submitter. Criteria: Submitter's publication. Collection method: clinical testing. Allele origin: biparental. Inheritance: Autosomal recessive inheritance. Affected: yes. Observed: 4 variant alleles, 3 heterozygotes, 1 homozygote. Clinical features observed: epileptic encephalopathy. Congenital retinopathy. Profound developmental delay and arrest of development.
Comment: Segregates with epileptic encephalopathy in family. Clinical phenotype consistent with previous patient reported with ARV1 related disorder.

OMIM
Classification: Pathogenic for DEVELOPMENTAL AND EPILEPTIC ENCEPHALOPATHY 38. Last evaluated: 2020-10-23. Review status: no assertion criteria provided. Collection method: literature only. Allele origin: germline. Not counted in ClinVar's aggregate classification.

Literature cited by the submitters: PubMed 27270415 (cited by 3 submitters); PubMed 32165008 (cited by Victorian Clinical Genetics Services, Murdoch Childrens Research Institute and OMIM); PubMed 37804371 (cited by Victorian Clinical Genetics Services, Murdoch Childrens Research Institute); PubMed 33084218 (cited by Victorian Clinical Genetics Services, Murdoch Childrens Research Institute).

NM_022786.3(ARV1):c.294+1G>A

Gene: ARV1 (ARV1 fatty acid homeostasis modulator; plus strand). Cytogenetic location: 1q42.2.
Variant type: single nucleotide variant.
Coding change: c.294+1G>A on transcript NM_022786.3 (MANE Select); the canonical splice donor site of the intron after coding-DNA position 294, G replaced by A.
Molecular consequence: splice donor variant.
Genome position (GRCh38, 1-based): chr1:230,988,440, G>A. VCF-style: chr1-230988440-G-A. GRCh37 (hg19) VCF-style: chr1-231124186-G-A.
Other names: ARV1, IVS2DS, G-A, +1; c.294+1G>A (NM_001346992.2).
Identifiers: ClinVar variation 224496 (VCV000224496.5), dbSNP rs150619347, ClinGen allele CA1450432.
Genomic context (GRCh38, chr1:230,988,440, plus strand): 5'-AATGCTATATTGTGCAAAGCTCAGGCCTACAGACATATTCTTTTCAATACTCAAATAAAT[G>A]TAAGTTGTGATAATTTCATTTTTTAATTTTATTTGATGCTGTTACATTTTAAAAGAATAA-3'